The following is an entry in ClinVar:

NM_014055.4(IFT81):c.952_956del (p.Glu318fs)

Gene: IFT81 (intraflagellar transport 81; plus strand). Cytogenetic location: 12q24.11.
Variant type: Deletion.
Coding change: c.952_956del on transcript NM_014055.4 (MANE Select); coding-DNA positions 952 to 956, 5 bases deleted (GAAAT; older notation c.952_956delGAAAT).
Protein change: p.Glu318fs; shifts the reading frame from glutamic acid 318.
Molecular consequence: frameshift variant. On other transcripts: non-coding transcript variant (4).
Genome position (GRCh38, 1-based): chr12:110,146,959-110,146,963, GAAAT deleted; deleting any 5 consecutive bases within chr12:110,146,955-110,146,963 gives the same sequence; the c. name uses the placement nearest the transcript's 3' end. VCF-style (leftmost placement, unchanged base first): chr12-110146954-TAAATG-T. GRCh37 (hg19) VCF-style: chr12-110584759-TAAATG-T.
Other names: c.952_956del, p.Glu318fs (NM_001143779.2, NM_001347946.2, NM_031473.4); c.22_26del, p.Glu8fs (NM_001347947.2, NM_001347948.2); short protein forms E318fs, E8fs.
Identifiers: ClinVar variation 2866384 (VCV002866384.3), dbSNP rs1895259806, ClinGen allele CA2062729972.

ClinVar aggregate classification (germline): Pathogenic (1 of 4 stars; one submission).

Submission:

Labcorp Genetics (formerly Invitae), Labcorp
Classification: Pathogenic. Last evaluated: 2023-07-07. Review status: criteria provided, single submitter. Criteria: Invitae Variant Classification Sherloc (09022015). Collection method: clinical testing. Allele origin: germline.
Comment: This sequence change creates a premature translational stop signal (p.Glu318Lysfs*5) in the IFT81 gene. It is expected to result in an absent or disrupted protein product. Loss-of-function variants in IFT81 are known to be pathogenic (PMID: 26275418, 27666822). This variant is not present in population databases (gnomAD no frequency). This variant has not been reported in the literature in individuals affected with IFT81-related conditions. For these reasons, this variant has been classified as Pathogenic.

Literature cited by the submitters: PubMed 26275418; PubMed 27666822.